The following is an entry in ClinVar:

NM_001291088.2(WDR87):c.8327G>A (p.Arg2776Gln)

Gene: WDR87 (WD repeat domain 87; minus strand). Cytogenetic location: 19q13.13.
Variant type: single nucleotide variant.
Coding change: c.8327G>A on transcript NM_001291088.2 (MANE Select); coding-DNA position 8327, G replaced by A.
Protein change: p.Arg2776Gln; replaces arginine 2776 with glutamine.
Molecular consequence: missense variant.
Genome position (GRCh38, 1-based): chr19:37,885,344, C>T on the plus strand (G>A on the coding strand, the complement: WDR87 is on the minus strand). VCF-style: chr19-37885344-C-T. GRCh37 (hg19) VCF-style: chr19-38375984-C-T.
Other names: c.8210G>A, p.Arg2737Gln (NM_031951.5); short protein forms R2737Q, R2776Q.
Identifiers: ClinVar variation 1287795 (VCV001287795.32), dbSNP rs200596982, ClinGen allele CA9408372.

ClinVar aggregate classification (germline): Benign. Review status: criteria provided, multiple submitters, no conflicts (2 of 4 stars). 3 submissions from 3 submitters: Benign (3). Last evaluated 2026-01-19.

Allele frequency attached by ClinVar (database versions not stated): gnomAD exomes 0.00355; gnomAD 0.00395 and 0.00414; TOPMed 0.00406; ESP Exome Variant Server 0.00657; 1000 Genomes Project 0.00100; 1000 Genomes Project 30x 0.00109; ExAC 0.00270.
gnomAD v4.1: 11,174 of 1,551,678 alleles (0.72%); highest among the groups gnomAD compares: Non-Finnish European, 0.92%; 62 homozygotes.

Submissions (3):

Labcorp Genetics (formerly Invitae), Labcorp
Classification: Benign. Last evaluated: 2026-01-19. Review status: criteria provided, single submitter. Criteria: Invitae Variant Classification Sherloc (09022015). Collection method: clinical testing. Allele origin: germline.

CeGaT Center for Human Genetics Tuebingen
Classification: Benign. Last evaluated: 2023-01-01. Review status: criteria provided, single submitter. Criteria: CeGaT Center For Human Genetics Tuebingen Variant Classification Criteria Version 2. Collection method: clinical testing. Allele origin: germline. Affected: yes. Observed: 1 variant allele.
Comment: WDR87: PP2, BP4, BS1, BS2

GeneDx
Classification: Benign. Last evaluated: 2021-06-23. Review status: criteria provided, single submitter. Criteria: GeneDx Variant Classification Process June 2021. Collection method: clinical testing. Allele origin: germline. Affected: yes.
Comment: This variant is associated with the following publications: (PMID: 27535533)